The following is an entry in ClinVar:

ClinVar aggregate classification (germline): Pathogenic (1 of 4 stars; one submission).

Conditions:
VPS13A-related neurodegenerative disease. Also called: ACANTHOCYTOSIS WITH NEUROLOGIC DISORDER; LEVINE-CRITCHLEY SYNDROME; Choreoacanthocytosis; Chorea-acanthocytosis; Choreaacanthocytosis; VPS13A Disease. Identifiers: Orphanet 2388, MedGen C0393576, MONDO:0008695, OMIM 200150.

Submission:

Myriad Genetics, Inc.
Classification: Pathogenic for VPS13A-related neurodegenerative disease. Last evaluated: 2024-10-02. Review status: criteria provided, single submitter. Criteria: Myriad Autosomal Dominant, Autosomal Recessive and X-Linked Classification Criteria (2023). Collection method: clinical testing. Allele origin: unknown.
Comment: NM_033305.2(VPS13A):c.879delA(Q294Sfs*14) is expected to be pathogenic in the context of VPS13A disease. This variant is predicted to lead to an abnormal or absent protein product due to the creation of a premature termination codon in VPS13A, a gene where loss-of-function variants are known to be pathogenic. Please note: this variant was assessed in the context of healthy population screening.

NM_033305.3(VPS13A):c.879del (p.Gln294fs)

Gene: VPS13A (vacuolar protein sorting 13 homolog A; plus strand). Cytogenetic location: 9q21.2.
Variant type: Deletion.
Coding change: c.879del on transcript NM_033305.3 (MANE Select); coding-DNA position 879, one base deleted (A; older notation c.879delA).
Protein change: p.Gln294fs; shifts the reading frame from glutamine 294.
Molecular consequence: frameshift variant.
Genome position (GRCh38, 1-based): chr9:77,220,078, A deleted. VCF-style (leftmost placement, unchanged base first): chr9-77220077-CA-C. GRCh37 (hg19) VCF-style: chr9-79834993-CA-C.
Other names: c.879del, p.Gln294fs (NM_001018037.2, NM_001018038.3, NM_015186.4); short protein forms Q294fs.
Identifiers: ClinVar variation 5013603 (VCV005013603.1).